The following is an entry in ClinVar:

NM_000618.5(IGF1):c.133T>C (p.Ser45Pro)

Genes: IGF1 (insulin like growth factor 1; minus strand), LINC02456 (long intergenic non-protein coding RNA 2456; plus strand). Cytogenetic location: 12q23.2.
Variant type: single nucleotide variant.
Coding change: c.133T>C on transcript NM_000618.5 (MANE Select); coding-DNA position 133, T replaced by C.
Protein change: p.Ser45Pro; replaces serine 45 with proline.
Molecular consequence: missense variant.
Genome position (GRCh38, 1-based): chr12:102,475,730, A>G on the plus strand (T>C on the coding strand, the complement: IGF1 is on the minus strand). VCF-style: chr12-102475730-A-G. GRCh37 (hg19) VCF-style: chr12-102869508-A-G.
Other names: c.133T>C, p.Ser45Pro (NM_001111285.3, NM_001414005.1, NM_001414007.1 and 1 more transcripts); c.85T>C, p.Ser29Pro (NM_001414006.1, NM_001111284.2); short protein forms S29P, S45P.
Identifiers: ClinVar variation 1960491 (VCV001960491.5), dbSNP rs2499846551, ClinGen allele CA386491609.

ClinVar aggregate classification (germline): Uncertain significance (1 of 4 stars; one submission).

Submission:

Labcorp Genetics (formerly Invitae), Labcorp
Classification: Uncertain significance. Last evaluated: 2022-08-12. Review status: criteria provided, single submitter. Criteria: Invitae Variant Classification Sherloc (09022015). Collection method: clinical testing. Allele origin: germline.
Comment: In summary, the available evidence is currently insufficient to determine the role of this variant in disease. Therefore, it has been classified as a Variant of Uncertain Significance. This sequence change replaces serine, which is neutral and polar, with proline, which is neutral and non-polar, at codon 45 of the IGF1 protein (p.Ser45Pro). This variant is not present in population databases (gnomAD no frequency). This variant has not been reported in the literature in individuals affected with IGF1-related conditions. Algorithms developed to predict the effect of missense changes on protein structure and function are either unavailable or do not agree on the potential impact of this missense change (SIFT: "Tolerated"; PolyPhen-2: "Probably Damaging"; Align-GVGD: "Class C0").